The following is an entry in ClinVar:

ClinVar aggregate classification (germline): Uncertain significance (1 of 4 stars; one submission).

Submission:

Labcorp Genetics (formerly Invitae), Labcorp
Classification: Uncertain significance. Last evaluated: 2024-08-31. Review status: criteria provided, single submitter. Criteria: Invitae Variant Classification Sherloc (09022015). Collection method: clinical testing. Allele origin: germline.
Comment: This sequence change replaces glycine, which is neutral and non-polar, with valine, which is neutral and non-polar, at codon 395 of the JARID2 protein (p.Gly395Val). This variant is not present in population databases (gnomAD no frequency). This variant has not been reported in the literature in individuals affected with JARID2-related conditions. An algorithm developed to predict the effect of missense changes on protein structure and function (PolyPhen-2) suggests that this variant is likely to be disruptive. In summary, the available evidence is currently insufficient to determine the role of this variant in disease. Therefore, it has been classified as a Variant of Uncertain Significance.

NM_004973.4(JARID2):c.1184G>T (p.Gly395Val)

Gene: JARID2 (jumonji and AT-rich interaction domain containing 2; plus strand). Cytogenetic location: 6p22.3.
Variant type: single nucleotide variant.
Coding change: c.1184G>T on transcript NM_004973.4 (MANE Select); coding-DNA position 1184, G replaced by T.
Protein change: p.Gly395Val; replaces glycine 395 with valine.
Molecular consequence: missense variant.
Genome position (GRCh38, 1-based): chr6:15,496,409, G>T. VCF-style: chr6-15496409-G-T. GRCh37 (hg19) VCF-style: chr6-15496640-G-T.
Other names: c.668G>T, p.Gly223Val (NM_001267040.1); short protein forms G223V, G395V.
Identifiers: ClinVar variation 3662636 (VCV003662636.2).